The following is an entry in ClinVar:

ClinVar aggregate classification (germline): Likely benign. Review status: criteria provided, multiple submitters, no conflicts (2 of 4 stars). 2 submissions from 2 submitters: Likely benign (2). Last evaluated 2024-11-27.

Submissions (2):

Labcorp Genetics (formerly Invitae), Labcorp
Classification: Likely benign. Last evaluated: 2024-11-27. Review status: criteria provided, single submitter. Criteria: Invitae Variant Classification Sherloc (09022015). Collection method: clinical testing. Allele origin: germline.

GeneDx
Classification: Likely benign. Last evaluated: 2016-08-03. Review status: criteria provided, single submitter. Criteria: GeneDx Variant Classification (06012015). Collection method: clinical testing. Allele origin: germline. Affected: yes.
Comment: This variant is considered likely benign or benign based on one or more of the following criteria: it is a conservative change, it occurs at a poorly conserved position in the protein, it is predicted to be benign by multiple in silico algorithms, and/or has population frequency not consistent with disease.

NM_004493.3(HSD17B10):c.595+17_595+20del

Gene: HSD17B10 (hydroxysteroid 17-beta dehydrogenase 10; minus strand). Cytogenetic location: Xp11.22.
Variant type: Microsatellite.
Coding change: c.595+17_595+20del on transcript NM_004493.3 (MANE Select); bases 17 to 20 of the intron after coding-DNA position 595, 4 bases deleted (TCTC; older notation c.595+17_595+20delTCTC).
Molecular consequence: intron variant.
Genome position (GRCh38, 1-based): chrX:53,431,778-53,431,781, GAGA deleted on the plus strand (TCTC on the coding strand, the reverse complement: HSD17B10 is on the minus strand); deleting any 4 consecutive bases within chrX:53,431,778-53,431,784 gives the same sequence; the c. name uses the placement nearest the transcript's 3' end. VCF-style (leftmost placement, unchanged base first): chrX-53431777-GGAGA-G. GRCh37 (hg19) VCF-style: chrX-53458725-GGAGA-G.
Other names: c.595+17_595+20delTCTC (NM_004493.2); c.568+44_568+47del (NM_001037811.2).
Identifiers: ClinVar variation 421735 (VCV000421735.8), dbSNP rs782819364, ClinGen allele CA10420986.